The following is an entry in ClinVar:

ClinVar aggregate classification (germline): Uncertain significance (1 of 4 stars; one submission).

Allele frequency attached by ClinVar (database versions not stated): gnomAD exomes below 0.00001; gnomAD 0.00001 and 0.00003; TOPMed 0.00001.
gnomAD v4.1: 15 of 1,612,166 alleles (0.00093%); highest among the groups gnomAD compares: African/African-American, 0.0093%; no homozygotes.

Submission:

GeneDx
Classification: Uncertain significance. Last evaluated: 2021-01-25. Review status: criteria provided, single submitter. Criteria: GeneDx Variant Classification Process June 2021. Collection method: clinical testing. Allele origin: germline. Affected: yes.
Comment: Not observed at a significant frequency in large population cohorts (Lek et al., 2016); In silico analysis supports that this missense variant has a deleterious effect on protein structure/function; This variant is associated with the following publications: (PMID: 27282351)

NM_017617.5(NOTCH1):c.6815G>A (p.Arg2272His)

Gene: NOTCH1 (notch receptor 1; minus strand). Cytogenetic location: 9q34.3.
Variant type: single nucleotide variant.
Coding change: c.6815G>A on transcript NM_017617.5 (MANE Select); coding-DNA position 6815, G replaced by A.
Protein change: p.Arg2272His; replaces arginine 2272 with histidine.
Molecular consequence: missense variant.
Genome position (GRCh38, 1-based): chr9:136,496,924, C>T on the plus strand (G>A on the coding strand, the complement: NOTCH1 is on the minus strand). VCF-style: chr9-136496924-C-T. GRCh37 (hg19) VCF-style: chr9-139391376-C-T.
Other names: c.6815G>A, p.Arg2272His (LRG_1122t1); short protein forms R2272H.
Identifiers: ClinVar variation 426258 (VCV000426258.3), dbSNP rs972658026, ClinGen allele CA201633416.